The following is an entry in ClinVar:

ClinVar aggregate classification (germline): Uncertain significance (1 of 4 stars; one submission).

Conditions:
Hypomyelination and Congenital Cataract (HLD5). Also called: hypomyelinating leukodystrophy 5. Identifiers: Orphanet 85163, MedGen C1864663, MONDO:0012514, OMIM 610532.

Allele frequency attached by ClinVar (database versions not stated): gnomAD exomes 0.00001; ExAC 0.00002; gnomAD 0.00002; 1000 Genomes Project 30x 0.00062; 1000 Genomes Project 0.00080.
gnomAD v4.1: 10 of 1,612,988 alleles (0.00062%); highest among the groups gnomAD compares: Middle Eastern, 0.017%; 1 homozygote.

Submission:

Labcorp Genetics (formerly Invitae), Labcorp
Classification: Uncertain significance for Hypomyelination and Congenital Cataract. Last evaluated: 2022-07-21. Review status: criteria provided, single submitter. Criteria: Invitae Variant Classification Sherloc (09022015). Collection method: clinical testing. Allele origin: germline.
Comment: Algorithms developed to predict the effect of missense changes on protein structure and function are either unavailable or do not agree on the potential impact of this missense change (SIFT: "Deleterious"; PolyPhen-2: "Benign"; Align-GVGD: "Class C0"). This variant has not been reported in the literature in individuals affected with FAM126A-related conditions. This variant is present in population databases (rs148088833, gnomAD 0.02%), including at least one homozygous and/or hemizygous individual. This sequence change replaces proline, which is neutral and non-polar, with leucine, which is neutral and non-polar, at codon 511 of the FAM126A protein (p.Pro511Leu). In summary, the available evidence is currently insufficient to determine the role of this variant in disease. Therefore, it has been classified as a Variant of Uncertain Significance.

NM_032581.4(HYCC1):c.1532C>T (p.Pro511Leu)

Gene: HYCC1 (hyccin PI4KA lipid kinase complex subunit 1; minus strand). Cytogenetic location: 7p15.3.
Variant type: single nucleotide variant.
Coding change: c.1532C>T on transcript NM_032581.4 (MANE Select); coding-DNA position 1532, C replaced by T.
Protein change: p.Pro511Leu; replaces proline 511 with leucine.
Molecular consequence: missense variant. On other transcripts: 3 prime UTR variant (2).
Genome position (GRCh38, 1-based): chr7:22,945,623, G>A on the plus strand (C>T on the coding strand, the complement: HYCC1 is on the minus strand). VCF-style: chr7-22945623-G-A. GRCh37 (hg19) VCF-style: chr7-22985242-G-A.
Other names: c.*568C>T (NM_001363466.2); c.*526C>T (NM_001363467.2); short protein forms P511L.
Identifiers: ClinVar variation 2046766 (VCV002046766.2), dbSNP rs148088833, ClinGen allele CA4185704.
Genomic context (GRCh38, chr7:22,945,623, plus strand): 5'-GTTATGGGAGAAAAATATGTTACTAATTAATCTGTGGACAGAGTAATGCTAATACTAGGA[G>A]GTCTCTGCTGACCTGATTGATGCTTCATTGGAAGTTCAGTTCTTTCTGAAACGTAAATAA-3'
Protein context (NP_115970.2, residues 501-521): PMKHQSGQQR[Pro511Leu]PSISITLSTD